The following is an entry in ClinVar:

NM_001849.4(COL6A2):c.736-1G>C

Gene: COL6A2 (collagen type VI alpha 2 chain; plus strand). Cytogenetic location: 21q22.3.
Variant type: single nucleotide variant.
Coding change: c.736-1G>C on transcript NM_001849.4 (MANE Select); the canonical splice acceptor site of the intron before coding-DNA position 736, G replaced by C.
Molecular consequence: splice acceptor variant.
Genome position (GRCh38, 1-based): chr21:46,114,007, G>C. VCF-style: chr21-46114007-G-C. GRCh37 (hg19) VCF-style: chr21-47533921-G-C.
Other names: c.736-1G>C (NM_058175.3, NM_058174.3).
Identifiers: ClinVar variation 643600 (VCV000643600.11), dbSNP rs1601221868, ClinGen allele CA410523352.

ClinVar aggregate classification (germline): Pathogenic (1 of 4 stars; one submission).

Conditions:
Bethlem myopathy 1A. Also called: Bethlem Muscular Dystrophy; Bethlem myopathy 1; MYOPATHY, BENIGN CONGENITAL, WITH CONTRACTURES. Identifiers: Orphanet 610, MedGen CN029274, MONDO:0024530, OMIM 158810.

Submission:

Labcorp Genetics (formerly Invitae), Labcorp
Classification: Pathogenic for Bethlem myopathy 1A. Last evaluated: 2020-10-20. Review status: criteria provided, single submitter. Criteria: Invitae Variant Classification Sherloc (09022015). Collection method: clinical testing. Allele origin: germline.
Comment: Donor and acceptor splice site variants typically lead to a loss of protein function (PMID: 16199547), and loss-of-function variants in COL6A2 are known to be pathogenic (PMID: 19884007, 20976770). In addition, donor and acceptor splice site variants in COL6A2 that result in in-frame exon skipping have also been reported to cause autosomal dominant COL6A2-related conditions (PMID: 18366090). For these reasons, this variant has been classified as Pathogenic. A different variant affecting this nucleotide (c.736-1G>A) has been determined to be pathogenic (PMID: 24801232). This suggests that this nucleotide is important for normal RNA splicing, and that other variants at this position may also be pathogenic. This sequence change affects an acceptor splice site in intron 4 of the COL6A2 gene. It is expected to disrupt RNA splicing and likely results in an absent or disrupted protein product. This variant is not present in population databases (ExAC no frequency). This variant has not been reported in the literature in individuals with COL6A2-related disease.

Literature cited by the submitters: PubMed 16199547; PubMed 19884007; PubMed 20976770; PubMed 18366090; PubMed 24801232.